The following is an entry in ClinVar:

NM_139343.3(BIN1):c.1403C>T (p.Thr468Ile)

Gene: BIN1 (bridging integrator 1; minus strand). Cytogenetic location: 2q14.3.
Variant type: single nucleotide variant.
Coding change: c.1403C>T on transcript NM_139343.3 (MANE Select); coding-DNA position 1403, C replaced by T.
Protein change: p.Thr468Ile; replaces threonine 468 with isoleucine.
Molecular consequence: missense variant. On other transcripts: intron variant (3).
Genome position (GRCh38, 1-based): chr2:127,051,212, G>A on the plus strand (C>T on the coding strand, the complement: BIN1 is on the minus strand). VCF-style: chr2-127051212-G-A. GRCh37 (hg19) VCF-style: chr2-127808788-G-A.
Other names: c.1034C>T, p.Thr345Ile (NM_001320633.2); c.1163C>T, p.Thr388Ile (NM_001320640.2); c.1310C>T, p.Thr437Ile (NM_001320641.2); c.1322C>T, p.Thr441Ile (NM_001320642.1); c.986C>T, p.Thr329Ile (NM_004305.4); c.1274C>T, p.Thr425Ile (NM_139344.3); c.1142C>T, p.Thr381Ile (NM_139345.3); c.1115C>T, p.Thr372Ile (NM_139346.3); and 7 more; short protein forms T357I, T425I, T345I, T350I, T372I, T437I, T441I, T314I.
Identifiers: ClinVar variation 851712 (VCV000851712.10), dbSNP rs769199881, ClinGen allele CA1857066.

ClinVar aggregate classification (germline): Uncertain significance. Review status: criteria provided, multiple submitters, no conflicts (2 of 4 stars). 2 submissions from 2 submitters: Uncertain significance (2). Last evaluated 2025-08-15.

Conditions:
Inborn genetic diseases. Identifiers: MedGen C0950123, MeSH D030342.
Myopathy, centronuclear, 2 (CNM2). Also called: MYOTUBULAR MYOPATHY, AUTOSOMAL RECESSIVE. Identifiers: Orphanet 169186, MedGen CN031787, MONDO:0009709, OMIM 255200.

Allele frequency attached by ClinVar (database versions not stated): gnomAD 0.00001; ExAC 0.00001; TOPMed 0.00002.
gnomAD v4.1: 12 of 1,613,604 alleles (0.00074%); highest among the groups gnomAD compares: Non-Finnish European, 0.001%; no homozygotes.

Submissions (2):

Labcorp Genetics (formerly Invitae), Labcorp
Classification: Uncertain significance for Myopathy, centronuclear, 2. Last evaluated: 2025-08-15. Review status: criteria provided, single submitter. Criteria: Invitae Variant Classification Sherloc (09022015). Collection method: clinical testing. Allele origin: germline.
Comment: This sequence change replaces threonine, which is neutral and polar, with isoleucine, which is neutral and non-polar, at codon 468 of the BIN1 protein (p.Thr468Ile). This variant is present in population databases (rs769199881, gnomAD 0.0009%). This variant has not been reported in the literature in individuals affected with BIN1-related conditions. ClinVar contains an entry for this variant (Variation ID: 851712). An algorithm developed to predict the effect of missense changes on protein structure and function (PolyPhen-2) suggests that this variant is likely to be tolerated. In summary, the available evidence is currently insufficient to determine the role of this variant in disease. Therefore, it has been classified as a Variant of Uncertain Significance.

Ambry Genetics
Classification: Uncertain significance for Inborn genetic diseases. Last evaluated: 2024-05-20. Review status: criteria provided, single submitter. Criteria: Ambry Variant Classification Scheme 2023. Collection method: clinical testing. Allele origin: germline.